The following is an entry in ClinVar:

ClinVar aggregate classification (germline): Pathogenic. Review status: criteria provided, multiple submitters, no conflicts (2 of 4 stars). 2 submissions from 2 submitters: Pathogenic (2). Last evaluated 2024-10-24.

Submissions (2):

Labcorp Genetics (formerly Invitae), Labcorp
Classification: Pathogenic. Last evaluated: 2024-10-24. Review status: criteria provided, single submitter. Criteria: Invitae Variant Classification Sherloc (09022015). Collection method: clinical testing. Allele origin: germline.
Comment: This sequence change creates a premature translational stop signal (p.Gln29*) in the COL2A1 gene. It is expected to result in an absent or disrupted protein product. Loss-of-function variants in COL2A1 are known to be pathogenic (PMID: 20179744). This variant is not present in population databases (gnomAD no frequency). This premature translational stop signal has been observed in individual(s) with Stickler syndrome (PMID: 27390512). ClinVar contains an entry for this variant (Variation ID: 870980). For these reasons, this variant has been classified as Pathogenic.

CeGaT Center for Human Genetics Tuebingen
Classification: Pathogenic. Last evaluated: 2017-10-01. Review status: criteria provided, single submitter. Criteria: CeGaT Center For Human Genetics Tuebingen Variant Classification Criteria Version 2. Collection method: clinical testing. Allele origin: germline. Affected: yes. Observed: 1 variant allele.

Literature cited by the submitters: PubMed 20179744 (cited by Labcorp Genetics (formerly Invitae), Labcorp); PubMed 27390512 (cited by Labcorp Genetics (formerly Invitae), Labcorp).

NM_001844.5(COL2A1):c.85C>T (p.Gln29Ter)

Gene: COL2A1 (collagen type II alpha 1 chain; minus strand). Cytogenetic location: 12q13.11.
Variant type: single nucleotide variant.
Coding change: c.85C>T on transcript NM_001844.5 (MANE Select); coding-DNA position 85, C replaced by T.
Protein change: p.Gln29Ter; replaces glutamine 29 with a stop codon.
Molecular consequence: nonsense. On other transcripts: missense variant (1).
Genome position (GRCh38, 1-based): chr12:48,004,237, G>A on the plus strand (C>T on the coding strand, the complement: COL2A1 is on the minus strand). VCF-style: chr12-48004237-G-A. GRCh37 (hg19) VCF-style: chr12-48398020-G-A.
Other names: c.85C>T, p.Arg29Trp (NM_033150.3); short protein forms R29W, Q29*.
Identifiers: ClinVar variation 870980 (VCV000870980.47), dbSNP rs1940368506, ClinGen allele CA384528134.
Genomic context (GRCh38, chr12:48,004,237, plus strand): 5'-GAAGGATGCTGAGGGACGCATGGAAAGCAGGCAGGCAGGCAGGGGCGGGGGAAGACTTAC[G>A]GACATCCTGGCCCTGACACCGAAGGACAGCGGCGACGAGCAGCGTCAGCAGCACCAGCGT-3'